The following is an entry in ClinVar:

NM_000245.4(MET):c.970A>G (p.Lys324Glu)

Gene: MET (MET proto-oncogene, receptor tyrosine kinase; plus strand). Cytogenetic location: 7q31.2.
Variant type: single nucleotide variant.
Coding change: c.970A>G on transcript NM_000245.4 (MANE Select); coding-DNA position 970, A replaced by G.
Protein change: p.Lys324Glu; replaces lysine 324 with glutamic acid.
Molecular consequence: missense variant. On other transcripts: intron variant (1).
Genome position (GRCh38, 1-based): chr7:116,700,054, A>G. VCF-style: chr7-116700054-A-G. GRCh37 (hg19) VCF-style: chr7-116340108-A-G.
Other names: c.970A>G, p.Lys324Glu (NM_001127500.3, NM_001324401.3); c.-91+27477A>G (NM_001324402.2); short protein forms K324E.
Identifiers: ClinVar variation 859959 (VCV000859959.9), dbSNP rs1791511003, ClinGen allele CA368970258.
Genomic context (GRCh38, chr7:116,700,054, plus strand): 5'-AGAAAAAAGAGATCCACAAAGAAGGAAGTGTTTAATATACTTCAGGCTGCGTATGTCAGC[A>G]AGCCTGGGGCCCAGCTTGCTAGACAAATAGGAGCCAGCCTGAATGATGACATTCTTTTCG-3'
Protein context (NP_000236.2, residues 314-334): FNILQAAYVS[Lys324Glu]PGAQLARQIG

ClinVar aggregate classification (germline): Uncertain significance (1 of 4 stars; one submission).

Conditions:
Renal cell carcinoma. Identifiers: Orphanet 217071, MedGen C0007134, MeSH D002292, MONDO:0005086, HP:0005584.

Submission:

Labcorp Genetics (formerly Invitae), Labcorp
Classification: Uncertain significance for Renal cell carcinoma. Last evaluated: 2019-01-29. Review status: criteria provided, single submitter. Criteria: Invitae Variant Classification Sherloc (09022015). Collection method: clinical testing. Allele origin: germline.
Comment: This variant is not present in population databases (ExAC no frequency). This sequence change replaces lysine with glutamic acid at codon 324 of the MET protein (p.Lys324Glu). The lysine residue is moderately conserved and there is a small physicochemical difference between lysine and glutamic acid. This variant has not been reported in the literature in individuals with MET-related conditions. Algorithms developed to predict the effect of missense changes on protein structure and function are either unavailable or do not agree on the potential impact of this missense change (SIFT: "Deleterious"; PolyPhen-2: "Possibly Damaging"; Align-GVGD: "Class C0"). In summary, the available evidence is currently insufficient to determine the role of this variant in disease. Therefore, it has been classified as a Variant of Uncertain Significance.